The following is an entry in ClinVar:

ClinVar aggregate classification (germline): Uncertain significance. Review status: criteria provided, multiple submitters, no conflicts (2 of 4 stars). 5 submissions from 5 submitters: Uncertain significance (5). Last evaluated 2024-09-12.

Conditions:
Wilson disease (WND). Also called: Wilson's disease. Identifiers: Orphanet 905, MedGen C0019202, MONDO:0010200, OMIM 277900. Disease mechanism: loss of function.

Allele frequency attached by ClinVar (database versions not stated): gnomAD exomes below 0.00001; gnomAD 0.00002; TOPMed 0.00002.
gnomAD v4.1: 4 of 1,614,100 alleles (0.00025%); highest among the groups gnomAD compares: African/African-American, 0.0053%; no homozygotes.

Submissions (5):

GeneDx
Classification: Uncertain significance. Last evaluated: 2024-09-12. Review status: criteria provided, single submitter. Criteria: GeneDx Variant Classification Process June 2021. Collection method: clinical testing. Allele origin: germline. Affected: yes.
Comment: Not observed at significant frequency in large population cohorts (gnomAD); In silico analysis supports that this missense variant has a deleterious effect on protein structure/function; Has not been previously published as pathogenic or benign to our knowledge

Fulgent Genetics
Classification: Uncertain significance for Wilson disease. Last evaluated: 2024-05-20. Review status: criteria provided, single submitter. Criteria: ACMG Guidelines, 2015. Collection method: clinical testing. Allele origin: germline.

All of Us Research Program, National Institutes of Health
Classification: Uncertain significance for Wilson disease. Last evaluated: 2024-05-14. Review status: criteria provided, single submitter. Criteria: ACMG Guidelines, 2015. Collection method: clinical testing. Allele origin: germline. Inheritance: Autosomal recessive inheritance. Observed: 1 variant allele, 1 heterozygote.
Comment: This missense variant replaces valine with alanine at codon 1282 of the ATP7B protein. Computational prediction suggests that this variant may have deleterious impact on protein structure and function (internally defined REVEL score threshold >= 0.7, PMID: 27666373). To our knowledge, functional studies have not been reported for this variant. This variant has not been reported in individuals affected with ATP7B-related disorders in the literature. This variant has been identified in 1/249568 chromosomes in the general population by the Genome Aggregation Database (gnomAD). The available evidence is insufficient to determine the role of this variant in disease conclusively. Therefore, this variant is classified as a Variant of Uncertain Significance.

This study involves interpretation of variants in research participants for the purpose of population health screening. Participant phenotype was not available at the time of variant classification. Additional details can be found in publication PMID: 35346344, PMCID: PMC8962531

Color Diagnostics, LLC DBA Color Health
Classification: Uncertain significance for Wilson disease. Last evaluated: 2022-06-14. Review status: criteria provided, single submitter. Criteria: ACMG Guidelines, 2015. Collection method: clinical testing. Allele origin: germline.
Comment: This missense variant replaces valine with alanine at codon 1282 of the ATP7B protein. Computational prediction suggests that this variant may have deleterious impact on protein structure and function. To our knowledge, functional studies have not been reported for this variant. This variant has not been reported in individuals affected with ATP7B-related disorders in the literature. This variant has been identified in 1/249568 chromosomes in the general population by the Genome Aggregation Database (gnomAD). The available evidence is insufficient to determine the role of this variant in disease conclusively. Therefore, this variant is classified as a Variant of Uncertain Significance.

Labcorp Genetics (formerly Invitae), Labcorp
Classification: Uncertain significance for Wilson disease. Last evaluated: 2022-01-06. Review status: criteria provided, single submitter. Criteria: Invitae Variant Classification Sherloc (09022015). Collection method: clinical testing. Allele origin: germline.
Comment: This sequence change replaces valine, which is neutral and non-polar, with alanine, which is neutral and non-polar, at codon 1282 of the ATP7B protein (p.Val1282Ala). This variant is present in population databases (rs754148852, gnomAD 0.007%). This variant has not been reported in the literature in individuals affected with ATP7B-related conditions. Algorithms developed to predict the effect of missense changes on protein structure and function are either unavailable or do not agree on the potential impact of this missense change (SIFT: "Deleterious"; PolyPhen-2: "Benign"; Align-GVGD: "Class C0"). In summary, the available evidence is currently insufficient to determine the role of this variant in disease. Therefore, it has been classified as a Variant of Uncertain Significance.

NM_000053.4(ATP7B):c.3845T>C (p.Val1282Ala)

Gene: ATP7B (ATPase copper transporting beta; minus strand). Cytogenetic location: 13q14.3.
Variant type: single nucleotide variant.
Coding change: c.3845T>C on transcript NM_000053.4 (MANE Select); coding-DNA position 3845, T replaced by C.
Protein change: p.Val1282Ala; replaces valine 1282 with alanine.
Molecular consequence: missense variant.
Genome position (GRCh38, 1-based): chr13:51,937,534, A>G on the plus strand (T>C on the coding strand, the complement: ATP7B is on the minus strand). VCF-style: chr13-51937534-A-G. GRCh37 (hg19) VCF-style: chr13-52511670-A-G.
Other names: c.3224T>C, p.Val1075Ala (NM_001005918.3); c.3512T>C, p.Val1171Ala (NM_001243182.2); c.3611T>C, p.Val1204Ala (NM_001330578.2); c.3593T>C, p.Val1198Ala (NM_001330579.2); c.3845T>C (NM_000053.3); short protein forms V1171A, V1198A, V1282A, V1075A, V1204A.
Identifiers: ClinVar variation 1399435 (VCV001399435.9), dbSNP rs754148852, ClinGen allele CA6988561.